The following is an entry in ClinVar:

NM_022436.3(ABCG5):c.901T>C (p.Tyr301His)

Genes: DYNC2LI1 (dynein cytoplasmic 2 light intermediate chain 1; plus strand), ABCG5 (ATP binding cassette subfamily G member 5; minus strand). Cytogenetic location: 2p21.
Variant type: single nucleotide variant.
Coding change: c.901T>C on transcript NM_022436.3 (MANE Select); coding-DNA position 901, T replaced by C.
Protein change: p.Tyr301His; replaces tyrosine 301 with histidine.
Molecular consequence: missense variant. On other transcripts: intron variant (2).
Genome position (GRCh38, 1-based): chr2:43,824,892, A>G on the plus strand (T>C on the coding strand, the complement: ABCG5 is on the minus strand). VCF-style: chr2-43824892-A-G. GRCh37 (hg19) VCF-style: chr2-44052031-A-G.
Other names: c.*16-2494A>G (NM_001348913.2, NM_001348912.2); short protein forms Y301H.
Identifiers: ClinVar variation 2073368 (VCV002073368.3), dbSNP rs778837844, ClinGen allele CA1636475.

ClinVar aggregate classification (germline): Uncertain significance (1 of 4 stars; one submission).

Conditions:
Sitosterolemia (STSL). Also called: PHYTOSTEROLEMIA. Identifiers: Orphanet 2882, MedGen C0342907, MONDO:0008863.

Allele frequency attached by ClinVar (database versions not stated): ExAC 0.00001.
gnomAD v4.1: 4 of 1,614,038 alleles (0.00025%); highest among the groups gnomAD compares: Admixed American, 0.0067%; no homozygotes.

Submission:

Labcorp Genetics (formerly Invitae), Labcorp
Classification: Uncertain significance for Sitosterolemia. Last evaluated: 2022-01-01. Review status: criteria provided, single submitter. Criteria: Invitae Variant Classification Sherloc (09022015). Collection method: clinical testing. Allele origin: germline.
Comment: In summary, the available evidence is currently insufficient to determine the role of this variant in disease. Therefore, it has been classified as a Variant of Uncertain Significance. Algorithms developed to predict the effect of missense changes on protein structure and function (SIFT, PolyPhen-2, Align-GVGD) all suggest that this variant is likely to be disruptive. This variant has not been reported in the literature in individuals affected with ABCG5-related conditions. This variant is present in population databases (rs778837844, gnomAD 0.009%). This sequence change replaces tyrosine, which is neutral and polar, with histidine, which is basic and polar, at codon 301 of the ABCG5 protein (p.Tyr301His).